The following is an entry in ClinVar:

ClinVar aggregate classification (germline): Uncertain significance (1 of 4 stars; one submission).

Submission:

GeneDx
Classification: Uncertain significance. Last evaluated: 2026-02-06. Review status: criteria provided, single submitter. Criteria: GeneDx Variant Classification Process June 2021. Collection method: clinical testing. Allele origin: germline.
Comment: In silico analysis supports that this missense variant has a deleterious effect on protein structure/function; Has not been previously published as pathogenic or benign to our knowledge

NM_003545.4(H4C5):c.289A>C (p.Thr97Pro)

Gene: H4C5 (H4 clustered histone 5; plus strand). Cytogenetic location: 6p22.2.
Variant type: single nucleotide variant.
Coding change: c.289A>C on transcript NM_003545.4 (MANE Select); coding-DNA position 289, A replaced by C.
Protein change: p.Thr97Pro; replaces threonine 97 with proline.
Molecular consequence: missense variant.
Genome position (GRCh38, 1-based): chr6:26,204,933, A>C. VCF-style: chr6-26204933-A-C. GRCh37 (hg19) VCF-style: chr6-26205161-A-C.
Other names: short protein forms T97P.
Identifiers: ClinVar variation 4976370 (VCV004976370.1).